The following is an entry in ClinVar:

ClinVar aggregate classification (germline): Uncertain significance (1 of 4 stars; one submission).

gnomAD v4.1: 1 of 1,614,192 alleles (0.000062%); highest among the groups gnomAD compares: Admixed American, 0.0017%; no homozygotes.

Submission:

Ambry Genetics
Classification: Uncertain significance. Last evaluated: 2026-06-14. Review status: criteria provided, single submitter. Criteria: Ambry Variant Classification Scheme 2023. Collection method: clinical testing. Allele origin: germline.
Comment: The p.L1197R variant (also known as c.3590T>G), located in coding exon 32 of the KIF1B gene, results from a T to G substitution at nucleotide position 3590. The leucine at codon 1197 is replaced by arginine, an amino acid with dissimilar properties. This amino acid position is conserved. In addition, the in silico prediction for this alteration is inconclusive. Based on the available evidence, the clinical significance of this variant remains unclear.

NM_001365951.3(KIF1B):c.3728T>G (p.Leu1243Arg)

Gene: KIF1B (kinesin family member 1B; plus strand). Cytogenetic location: 1p36.22.
Variant type: single nucleotide variant.
Coding change: c.3728T>G on transcript NM_001365951.3 (MANE Select); coding-DNA position 3728, T replaced by G.
Protein change: p.Leu1243Arg; replaces leucine 1243 with arginine.
Molecular consequence: missense variant.
Genome position (GRCh38, 1-based): chr1:10,345,884, T>G. VCF-style: chr1-10345884-T-G. GRCh37 (hg19) VCF-style: chr1-10405942-T-G.
Other names: c.3728T>G, p.Leu1243Arg (NM_001365952.1); c.3590T>G, p.Leu1197Arg (NM_015074.3); short protein forms L1197R, L1243R.
Identifiers: ClinVar variation 4858890 (VCV004858890.1).